The following is an entry in ClinVar:

NM_005529.7(HSPG2):c.8426C>T (p.Thr2809Ile)

Gene: HSPG2 (heparan sulfate proteoglycan 2; minus strand). Cytogenetic location: 1p36.12.
Variant type: single nucleotide variant.
Coding change: c.8426C>T on transcript NM_005529.7 (MANE Select); coding-DNA position 8426, C replaced by T.
Protein change: p.Thr2809Ile; replaces threonine 2809 with isoleucine.
Molecular consequence: missense variant.
Genome position (GRCh38, 1-based): chr1:21,846,146, G>A on the plus strand (C>T on the coding strand, the complement: HSPG2 is on the minus strand). VCF-style: chr1-21846146-G-A. GRCh37 (hg19) VCF-style: chr1-22172639-G-A.
Other names: c.8429C>T, p.Thr2810Ile (NM_001291860.2); short protein forms T2809I, T2810I.
Identifiers: ClinVar variation 1023222 (VCV001023222.2), dbSNP rs768620316, ClinGen allele CA670789.

ClinVar aggregate classification (germline): Uncertain significance (1 of 4 stars; one submission).

Allele frequency attached by ClinVar (database versions not stated): TOPMed 0.00003; gnomAD exomes 0.00005 and 0.00013; gnomAD 0.00006; ExAC 0.00008.
gnomAD v4.1: 199 of 1,612,992 alleles (0.012%); highest among the groups gnomAD compares: Non-Finnish European, 0.016%; no homozygotes.

Submission:

Labcorp Genetics (formerly Invitae), Labcorp
Classification: Uncertain significance. Last evaluated: 2021-11-03. Review status: criteria provided, single submitter. Criteria: Invitae Variant Classification Sherloc (09022015). Collection method: clinical testing. Allele origin: germline.
Comment: This sequence change replaces threonine, which is neutral and polar, with isoleucine, which is neutral and non-polar, at codon 2809 of the HSPG2 protein (p.Thr2809Ile). This variant is present in population databases (rs768620316, gnomAD 0.01%). This variant has not been reported in the literature in individuals affected with HSPG2-related conditions. ClinVar contains an entry for this variant (Variation ID: 1023222). Algorithms developed to predict the effect of missense changes on protein structure and function are either unavailable or do not agree on the potential impact of this missense change (SIFT: "Tolerated"; PolyPhen-2: "Possibly Damaging"; Align-GVGD: "Class C0"). In summary, the available evidence is currently insufficient to determine the role of this variant in disease. Therefore, it has been classified as a Variant of Uncertain Significance.